The following is an entry in ClinVar:

NM_000077.5(CDKN2A):c.431G>A (p.Arg144His)

Gene: CDKN2A (cyclin dependent kinase inhibitor 2A; minus strand). Cytogenetic location: 9p21.3.
Variant type: single nucleotide variant.
Coding change: c.431G>A on transcript NM_000077.5; coding-DNA position 431, G replaced by A.
Protein change: p.Arg144His; replaces arginine 144 with histidine.
Molecular consequence: missense variant (on NM_000077.6). On other transcripts: 3 prime UTR variant (2).
Genome position (GRCh38, 1-based): chr9:21,970,928, C>T on the plus strand (G>A on the coding strand, the complement: CDKN2A is on the minus strand). VCF-style: chr9-21970928-C-T. GRCh37 (hg19) VCF-style: chr9-21970927-C-T.
Other names: c.431G>A, p.Arg144His (NM_000077.6, NM_001195132.2); c.278G>A, p.Arg93His (NM_001363763.2); c.*75G>A (NM_058195.4); c.*354G>A (NM_058197.5); short protein forms R144H, R93H.
Identifiers: ClinVar variation 406723 (VCV000406723.14), dbSNP rs1060501274, ClinGen allele CA16612777.
Genomic context (GRCh38, chr9:21,970,928, plus strand): 5'-TCAGGGTACAAATTCTCAGATCATCAGTCCTCACCTGAGGGACCTTCCGCGGCATCTATG[C>T]GGGCATGGTTACTGCCTCTGGTGCCCCCCGCAGCCGCGCGCAGGTACCGTGCGACATCGC-3'
Protein context (NP_000068.1, residues 134-154): AGGTRGSNHA[Arg144His]IDAAEGPSDI

ClinVar aggregate classification (germline): Uncertain significance. Review status: criteria provided, multiple submitters, no conflicts (2 of 4 stars). 3 submissions from 3 submitters: Uncertain significance (3). Last evaluated 2024-04-16.

Conditions:
Familial melanoma. Also called: Hereditary melanoma; Hereditary cutaneous melanoma. Identifiers: Orphanet 618, MedGen C1512419, MONDO:0018961.
Hereditary cancer-predisposing syndrome. Also called: Neoplastic Syndromes, Hereditary; Tumor predisposition; Hereditary Cancer Syndrome; Hereditary neoplastic syndrome. Identifiers: Orphanet 140162, MedGen C0027672, MeSH D009386, MONDO:0015356.

Allele frequency attached by ClinVar (database versions not stated): TOPMed 0.00001.

Submissions (3):

Labcorp Genetics (formerly Invitae), Labcorp
Classification: Uncertain significance for Familial melanoma. Last evaluated: 2024-04-16. Review status: criteria provided, single submitter. Criteria: Invitae Variant Classification Sherloc (09022015). Collection method: clinical testing. Allele origin: germline.
Comment: This sequence change replaces arginine, which is basic and polar, with histidine, which is basic and polar, at codon 144 of the CDKN2A (p16INK4a) protein (p.Arg144His). This variant is not present in population databases (gnomAD no frequency). This variant has not been reported in the literature in individuals affected with CDKN2A (p16INK4a)-related conditions. ClinVar contains an entry for this variant (Variation ID: 406723). Algorithms developed to predict the effect of missense changes on protein structure and function output the following: SIFT: "Not Available"; PolyPhen-2: "Benign"; Align-GVGD: "Not Available". The histidine amino acid residue is found in multiple mammalian species, which suggests that this missense change does not adversely affect protein function. In summary, the available evidence is currently insufficient to determine the role of this variant in disease. Therefore, it has been classified as a Variant of Uncertain Significance.

Ambry Genetics
Classification: Uncertain significance for Hereditary cancer-predisposing syndrome. Last evaluated: 2020-03-27. Review status: criteria provided, single submitter. Criteria: Ambry Variant Classification Scheme 2023. Collection method: clinical testing. Allele origin: germline.
Comment: The p.R144H variant (also known as c.431G>A), located in coding exon 2 of the CDKN2A gene, results from a G to A substitution at nucleotide position 431. The arginine at codon 144 is replaced by histidine, an amino acid with highly similar properties. This amino acid position is poorly conserved in available vertebrate species. In addition, this alteration is predicted to be tolerated by in silico analysis. Since supporting evidence is limited at this time, the clinical significance of this alteration remains unclear.

Quest Diagnostics Nichols Institute San Juan Capistrano
Classification: Uncertain significance. Last evaluated: 2018-03-15. Review status: criteria provided, single submitter. Criteria: Quest Diagnostics criteria. Collection method: clinical testing. Allele origin: germline.